The following is an entry in ClinVar:

NM_007315.4(STAT1):c.1765G>C (p.Ala589Pro)

Gene: STAT1 (signal transducer and activator of transcription 1; minus strand). Cytogenetic location: 2q32.2.
Variant type: single nucleotide variant.
Coding change: c.1765G>C on transcript NM_007315.4 (MANE Select); coding-DNA position 1765, G replaced by C.
Protein change: p.Ala589Pro; replaces alanine 589 with proline.
Molecular consequence: missense variant.
Genome position (GRCh38, 1-based): chr2:190,978,964, C>G on the plus strand (G>C on the coding strand, the complement: STAT1 is on the minus strand). VCF-style: chr2-190978964-C-G. GRCh37 (hg19) VCF-style: chr2-191843690-C-G.
Other names: c.1705G>C, p.Ala569Pro (NM_001384880.1); c.1771G>C, p.Ala591Pro (NM_001384881.1, NM_001384884.1); c.1759G>C, p.Ala587Pro (NM_001384882.1); c.1666G>C, p.Ala556Pro (NM_001384883.1); c.1606G>C, p.Ala536Pro (NM_001384885.1); c.1765G>C, p.Ala589Pro (NM_001384886.1, NM_001384889.1, NM_139266.3); c.1672G>C, p.Ala558Pro (NM_001384887.1); c.1735G>C, p.Ala579Pro (NM_001384888.1); and 2 more; short protein forms A536P, A556P, A558P, A587P, A569P, A601P, A589P, A591P.
Identifiers: ClinVar variation 2122121 (VCV002122121.4), dbSNP rs745491762, ClinGen allele CA349913754.
Genomic context (GRCh38, chr2:190,978,964, plus strand): 5'-CCCGGGAGCTCTCACTGAACCGCAGCAGGAAGGTCCCCGGCTGCTGGTCCTTCAACAGGG[C>G]ACGCTCTCGCTCCTTGCTGATGAAGCCCATGATGCACCTGGATATCGAAGAGATGGACGG-3'
Protein context (NP_009330.1, residues 579-599): MGFISKERER[Ala589Pro]LLKDQQPGTF

ClinVar aggregate classification (germline): Uncertain significance (1 of 4 stars; one submission).

Conditions:
Autoimmune enteropathy and endocrinopathy - susceptibility to chronic infections syndrome. Also called: Immunodeficiency 31C; Immunodeficiency 31C, autosomal dominant. Identifiers: Orphanet 391487, MedGen C3279990, MONDO:0013599, OMIM 614162.
Mendelian susceptibility to mycobacterial diseases due to partial STAT1 deficiency. Also called: IMMUNODEFICIENCY 31A, MYCOBACTERIOSIS, AUTOSOMAL DOMINANT; STAT1 DEFICIENCY, AUTOSOMAL DOMINANT; Immunodeficiency 31a. Identifiers: Orphanet 319595, MedGen C4013950, MONDO:0013956, OMIM 614892.
Immunodeficiency 31B. Also called: IMMUNODEFICIENCY 31B, MYCOBACTERIAL AND VIRAL INFECTIONS, AUTOSOMAL RECESSIVE; STAT1 DEFICIENCY, AUTOSOMAL RECESSIVE. Identifiers: Orphanet 391311, MedGen C3151088, MONDO:0013427, OMIM 613796.

gnomAD v4.1: 2 of 1,614,188 alleles (0.00012%); highest among the groups gnomAD compares: Non-Finnish European, 0.00017%; no homozygotes.

Submission:

Labcorp Genetics (formerly Invitae), Labcorp
Classification: Uncertain significance for Mendelian susceptibility to mycobacterial diseases due to partial STAT1 deficiency; Immunodeficiency 31B; Autoimmune enteropathy and endocrinopathy - susceptibility to chronic infections syndrome. Last evaluated: 2022-04-06. Review status: criteria provided, single submitter. Criteria: Invitae Variant Classification Sherloc (09022015). Collection method: clinical testing. Allele origin: germline.
Comment: This variant has not been reported in the literature in individuals affected with STAT1-related conditions. In summary, the available evidence is currently insufficient to determine the role of this variant in disease. Therefore, it has been classified as a Variant of Uncertain Significance. Algorithms developed to predict the effect of missense changes on protein structure and function (SIFT, PolyPhen-2, Align-GVGD) all suggest that this variant is likely to be tolerated. This variant is not present in population databases (gnomAD no frequency). This sequence change replaces alanine, which is neutral and non-polar, with proline, which is neutral and non-polar, at codon 589 of the STAT1 protein (p.Ala589Pro).